The following is an entry in ClinVar:

NM_000038.6(APC):c.5565T>A (p.Cys1855Ter)

Gene: APC (APC regulator of Wnt signaling pathway; plus strand). Cytogenetic location: 5q22.2.
Variant type: single nucleotide variant.
Coding change: c.5565T>A on transcript NM_000038.6 (MANE Select); coding-DNA position 5565, T replaced by A.
Protein change: p.Cys1855Ter; replaces cysteine 1855 with a stop codon.
Molecular consequence: nonsense. On other transcripts: non-coding transcript variant (2).
Genome position (GRCh38, 1-based): chr5:112,841,159, T>A. VCF-style: chr5-112841159-T-A. GRCh37 (hg19) VCF-style: chr5-112176856-T-A.
Other names: c.5511T>A, p.Cys1837Ter (NM_001127511.3); c.5565T>A, p.Cys1855Ter (NM_001354895.2, NM_001407450.1, NM_001127510.3); c.5619T>A, p.Cys1873Ter (NM_001354896.2, NM_001407447.1, NM_001407448.1 and 1 more transcripts); c.5595T>A, p.Cys1865Ter (NM_001354897.2); c.5490T>A, p.Cys1830Ter (NM_001354898.2); c.5481T>A, p.Cys1827Ter (NM_001354899.2); c.5442T>A, p.Cys1814Ter (NM_001354900.2); c.5388T>A, p.Cys1796Ter (NM_001354901.2, NM_001407453.1); and 11 more; short protein forms C1471*, C1572*, C1695*, C1726*, C1729*, C1754*, C1764*, C1772*.
Identifiers: ClinVar variation 4861226 (VCV004861226.1).

ClinVar aggregate classification (germline): Pathogenic (1 of 4 stars; one submission).

Conditions:
Hereditary cancer-predisposing syndrome. Also called: Neoplastic Syndromes, Hereditary; Tumor predisposition; Hereditary Cancer Syndrome; Hereditary neoplastic syndrome. Identifiers: Orphanet 140162, MedGen C0027672, MeSH D009386, MONDO:0015356.

Submission:

Ambry Genetics
Classification: Pathogenic for Hereditary cancer-predisposing syndrome. Last evaluated: 2026-04-16. Review status: criteria provided, single submitter. Criteria: Ambry Variant Classification Scheme 2023. Collection method: clinical testing. Allele origin: germline.
Comment: The p.C1855* pathogenic mutation (also known as c.5565T>A), located in coding exon 15 of the APC gene, results from a T to A substitution at nucleotide position 5565. This changes the amino acid from a cysteine to a stop codon within coding exon 15. This variant occurs at the 3' terminus of the gene, is not expected to trigger nonsense-mediated mRNA decay, and impacts the last 34.8% of the protein. However, premature stop codons are typically deleterious in nature and a significant portion of the protein is affected (Ambry internal data). This variant was reported in individual(s) with features consistent with APC-related familial adenomatous polyposis (Ambry internal data). This variant is considered to be rare based on population cohorts in the Genome Aggregation Database (gnomAD). Based on the supporting evidence, this variant is interpreted as a disease-causing mutation.